The following is an entry in ClinVar:

NM_173689.7(CRB2):c.2611G>C (p.Glu871Gln)

Gene: CRB2 (crumbs cell polarity complex component 2; plus strand). Cytogenetic location: 9q33.3.
Variant type: single nucleotide variant.
Coding change: c.2611G>C on transcript NM_173689.7 (MANE Select); coding-DNA position 2611, G replaced by C.
Protein change: p.Glu871Gln; replaces glutamic acid 871 with glutamine.
Molecular consequence: missense variant. On other transcripts: non-coding transcript variant (1).
Genome position (GRCh38, 1-based): chr9:123,373,142, G>C. VCF-style: chr9-123373142-G-C. GRCh37 (hg19) VCF-style: chr9-126135421-G-C.
Other names: short protein forms E871Q.
Identifiers: ClinVar variation 1908463 (VCV001908463.3), dbSNP rs1386621607, ClinGen allele CA374867082.

ClinVar aggregate classification (germline): Uncertain significance (1 of 4 stars; one submission).

Allele frequency attached by ClinVar (database versions not stated): gnomAD 0.00001.
gnomAD v4.1: 13 of 1,505,578 alleles (0.00086%); highest among the groups gnomAD compares: Non-Finnish European, 0.0011%; no homozygotes.

Submission:

Labcorp Genetics (formerly Invitae), Labcorp
Classification: Uncertain significance. Last evaluated: 2022-04-01. Review status: criteria provided, single submitter. Criteria: Invitae Variant Classification Sherloc (09022015). Collection method: clinical testing. Allele origin: germline.
Comment: In summary, the available evidence is currently insufficient to determine the role of this variant in disease. Therefore, it has been classified as a Variant of Uncertain Significance. Advanced modeling of protein sequence and biophysical properties (such as structural, functional, and spatial information, amino acid conservation, physicochemical variation, residue mobility, and thermodynamic stability) performed at Invitae indicates that this missense variant is not expected to disrupt CRB2 protein function. This variant has not been reported in the literature in individuals affected with CRB2-related conditions. This variant is present in population databases (no rsID available, gnomAD 0.007%). This sequence change replaces glutamic acid, which is acidic and polar, with glutamine, which is neutral and polar, at codon 871 of the CRB2 protein (p.Glu871Gln).